The following is an entry in ClinVar:

ClinVar aggregate classification (germline): Uncertain significance (1 of 4 stars; one submission).

Submission:

Ambry Genetics
Classification: Uncertain significance. Last evaluated: 2026-05-14. Review status: criteria provided, single submitter. Criteria: Ambry Variant Classification Scheme 2023. Collection method: clinical testing. Allele origin: germline.
Comment: The p.F797V variant (also known as c.2389T>G), located in coding exon 1 of the TET2 gene, results from a T to G substitution at nucleotide position 2389. The phenylalanine at codon 797 is replaced by valine, an amino acid with highly similar properties. This amino acid position is conserved. In addition, this alteration is predicted to be tolerated by in silico analysis. Based on the available evidence, the clinical significance of this variant remains unclear.

NM_001127208.3(TET2):c.2389T>G (p.Phe797Val)

Genes: TET2 (tet methylcytosine dioxygenase 2; plus strand), TET2-AS1 (TET2 antisense RNA 1; minus strand). Cytogenetic location: 4q24.
Variant type: single nucleotide variant.
Coding change: c.2389T>G on transcript NM_001127208.3 (MANE Select); coding-DNA position 2389, T replaced by G.
Protein change: p.Phe797Val; replaces phenylalanine 797 with valine.
Molecular consequence: missense variant.
Genome position (GRCh38, 1-based): chr4:105,236,331, T>G. VCF-style: chr4-105236331-T-G. GRCh37 (hg19) VCF-style: chr4-106157488-T-G.
Other names: c.2389T>G, p.Phe797Val (NM_017628.4); short protein forms F797V.
Identifiers: ClinVar variation 4865575 (VCV004865575.1).